The following is an entry in ClinVar:

ClinVar aggregate classification (germline): Conflicting classifications of pathogenicity. Review status: criteria provided, conflicting classifications (1 of 4 stars). 6 submissions from 6 submitters: Uncertain significance (3); Likely benign (3). Last evaluated 2025-09-08.

Conditions:
Birt-Hogg-Dube syndrome 1 (BHD1). Also called: FIBROFOLLICULOMAS WITH TRICHODISCOMAS AND ACROCHORDONS. Identifiers: Orphanet 122, MedGen CN375946, MONDO:0800445, OMIM 135150.
17p11.2 microduplication syndrome (PTLS). Also called: CHROMOSOME 17p11.2 DUPLICATION SYNDROME; Potocki-Lupski syndrome; Duplication 17p11.2 syndrome; Potocki-Lupski syndrome (dup(17)(p11.2p11.2)). Identifiers: Orphanet 1713, MedGen C2931246, MONDO:0012574, OMIM 610883.
Nonpapillary renal cell carcinoma. Identifiers: Orphanet 422526, MedGen CN074294, MONDO:0007763, OMIM 144700.
Birt-Hogg-Dube syndrome. Also called: Birt Hogg Dubé syndrome. Identifiers: Orphanet 122, MedGen C0346010, MONDO:0800444.
Colorectal cancer. Also called: Colorectal cancer, somatic; Malignant Colorectal Neoplasm. Identifiers: MedGen C0346629, MONDO:0005575, OMIM 114500.
Familial spontaneous pneumothorax (PSP). Identifiers: Orphanet 2903, MedGen C1868193, MONDO:0008259, OMIM 173600.
Hereditary cancer-predisposing syndrome. Also called: Hereditary neoplastic syndrome; Neoplastic Syndromes, Hereditary; Hereditary Cancer Syndrome; Tumor predisposition. Identifiers: Orphanet 140162, MedGen C0027672, MeSH D009386, MONDO:0015356.

Allele frequency attached by ClinVar (database versions not stated): TOPMed below 0.00001; gnomAD 0.00002.
gnomAD v4.1: 6 of 1,613,986 alleles (0.00037%); highest among the groups gnomAD compares: Admixed American, 0.0067%; no homozygotes.

Submissions (6):

Ambry Genetics
Classification: Likely benign for Hereditary cancer-predisposing syndrome. Last evaluated: 2025-09-08. Review status: criteria provided, single submitter. Criteria: Ambry Variant Classification Scheme 2023. Collection method: clinical testing. Allele origin: germline.

Labcorp Genetics (formerly Invitae), Labcorp
Classification: Likely benign for Birt-Hogg-Dube syndrome. Last evaluated: 2025-07-13. Review status: criteria provided, single submitter. Criteria: Invitae Variant Classification Sherloc (09022015). Collection method: clinical testing. Allele origin: germline.

GeneDx
Classification: Uncertain significance. Last evaluated: 2024-11-15. Review status: criteria provided, single submitter. Criteria: GeneDx Variant Classification Process June 2021. Collection method: clinical testing. Allele origin: germline.
Comment: Affects a canonical splice site; however, in silico analysis supports that this variant does not alter splicing; Not observed at significant frequency in large population cohorts (gnomAD); Observed in individual(s) with pancreatic cancer (PMID: 39256447); This variant is associated with the following publications: (PMID: 39256447)

Myriad Genetics, Inc.
Classification: Likely benign for Birt-Hogg-Dube syndrome 1. Last evaluated: 2023-12-19. Review status: criteria provided, single submitter. Criteria: Myriad Autosomal Dominant, Autosomal Recessive and X-Linked Classification Criteria (2023). Collection method: clinical testing. Allele origin: unknown.
Comment: This variant is considered likely benign. Although this variant occurs at the canonical splice site, it changes the splice site to consensus and is not expected to impact RNA splicing.

Quest Diagnostics Nichols Institute San Juan Capistrano
Classification: Uncertain significance. Last evaluated: 2023-03-17. Review status: criteria provided, single submitter. Criteria: Quest Diagnostics criteria. Collection method: clinical testing. Allele origin: unknown.
Comment: This variant disrupts a canonical splice-donor site and is predicted to interfere with normal FLCN mRNA splicing. The variant has not been reported in the published literature. The frequency of this variant in the general population, 0.00022 (3/13742 chromosomes in Latino/Admixed American subpopulation), is higher than would generally be expected for pathogenic variants in this gene. Based on the available information, we are unable to determine the clinical significance of this variant.

Fulgent Genetics
Classification: Uncertain significance for Colorectal cancer; Birt-Hogg-Dube syndrome 1; Nonpapillary renal cell carcinoma; Familial spontaneous pneumothorax; 17p11.2 microduplication syndrome. Last evaluated: 2021-10-07. Review status: criteria provided, single submitter. Criteria: ACMG Guidelines, 2015. Collection method: clinical testing. Allele origin: unknown.

NM_144997.7(FLCN):c.249+2C>T

Gene: FLCN (folliculin; minus strand). Cytogenetic location: 17p11.2.
Variant type: single nucleotide variant.
Coding change: c.249+2C>T on transcript NM_144997.7 (MANE Select); the canonical splice donor site of the intron after coding-DNA position 249, C replaced by T.
Molecular consequence: splice donor variant.
Genome position (GRCh38, 1-based): chr17:17,227,887, G>A on the plus strand (C>T on the coding strand, the complement: FLCN is on the minus strand). VCF-style: chr17-17227887-G-A. GRCh37 (hg19) VCF-style: chr17-17131201-G-A.
Other names: c.249+2C>T (NM_001353231.2, NM_001353230.2, NM_001353229.2 and 2 more transcripts).
Identifiers: ClinVar variation 409382 (VCV000409382.16), dbSNP rs939223011, ClinGen allele CA16615123.